The following is an entry in ClinVar:

ClinVar aggregate classification (germline): Uncertain significance (1 of 4 stars; one submission).

Conditions:
Cohen syndrome (COH1). Also called: PEPPER SYNDROME; Cutis verticis gyrata, retinitis pigmentosa, and sensorineural deafness. Identifiers: Orphanet 193, MedGen C0265223, MONDO:0008999, OMIM 216550.

Allele frequency attached by ClinVar (database versions not stated): TOPMed below 0.00001; ExAC 0.00001; gnomAD exomes 0.00001.
gnomAD v4.1: 16 of 1,613,792 alleles (0.00099%); highest among the groups gnomAD compares: Non-Finnish European, 0.0014%; no homozygotes.

Submission:

Labcorp Genetics (formerly Invitae), Labcorp
Classification: Uncertain significance for Cohen syndrome. Last evaluated: 2025-04-08. Review status: criteria provided, single submitter. Criteria: Invitae Variant Classification Sherloc (09022015). Collection method: clinical testing. Allele origin: germline.
Comment: This sequence change replaces valine, which is neutral and non-polar, with glycine, which is neutral and non-polar, at codon 1171 of the VPS13B protein (p.Val1171Gly). This variant is present in population databases (rs771030813, gnomAD 0.0009%). This variant has not been reported in the literature in individuals affected with VPS13B-related conditions. ClinVar contains an entry for this variant (Variation ID: 1510380). Invitae Evidence Modeling of protein sequence and biophysical properties (such as structural, functional, and spatial information, amino acid conservation, physicochemical variation, residue mobility, and thermodynamic stability) indicates that this missense variant is not expected to disrupt VPS13B protein function with a negative predictive value of 80%. In summary, the available evidence is currently insufficient to determine the role of this variant in disease. Therefore, it has been classified as a Variant of Uncertain Significance.

NM_152564.5(VPS13B):c.3512T>G (p.Val1171Gly)

Gene: VPS13B (vacuolar protein sorting 13 homolog B; plus strand). Cytogenetic location: 8q22.2.
Variant type: single nucleotide variant.
Coding change: c.3512T>G on transcript NM_152564.5 (MANE Select); coding-DNA position 3512, T replaced by G.
Protein change: p.Val1171Gly; replaces valine 1171 with glycine.
Molecular consequence: missense variant.
Genome position (GRCh38, 1-based): chr8:99,467,480, T>G. VCF-style: chr8-99467480-T-G. GRCh37 (hg19) VCF-style: chr8-100479708-T-G.
Other names: c.3512T>G, p.Val1171Gly (NM_017890.5); short protein forms V1171G.
Identifiers: ClinVar variation 1510380 (VCV001510380.6), dbSNP rs771030813, ClinGen allele CA4823263.